The following is an entry in ClinVar:

NM_001130823.3(DNMT1):c.1116C>T (p.Cys372=)

Gene: DNMT1 (DNA methyltransferase 1; minus strand). Cytogenetic location: 19p13.2.
Variant type: single nucleotide variant.
Coding change: c.1116C>T on transcript NM_001130823.3 (MANE Select); coding-DNA position 1116, C replaced by T.
Protein change: p.Cys372=; no amino-acid change (cysteine 372 retained).
Molecular consequence: synonymous variant.
Genome position (GRCh38, 1-based): chr19:10,159,896, G>A on the plus strand (C>T on the coding strand, the complement: DNMT1 is on the minus strand). VCF-style: chr19-10159896-G-A. GRCh37 (hg19) VCF-style: chr19-10270572-G-A.
Other names: c.1068C>T, p.Cys356= (NM_001318730.2, NM_001379.4); c.753C>T, p.Cys251= (NM_001318731.2); c.1116C>T (LRG_362t1).
Identifiers: ClinVar variation 386462 (VCV000386462.9), dbSNP rs147382114, ClinGen allele CA9188378.
Genomic context (GRCh38, chr19:10,159,896, plus strand): 5'-ACGTACCGCGTCTGGTGGGTGCTGCCCATATTTGAGGTCAGGGTCGTCCAGGTACTGCCC[G>A]CACTGAATGCACTTGGGAGGGTGGGTCTGTGGGAGCAGGAACACAGATGATGGCACTCAG-3'
Protein context (NP_001124295.1, residues 362-382): SKTHPPKCIQ[Cys372=]GQYLDDPDLK

ClinVar aggregate classification (germline): Likely benign. Review status: criteria provided, multiple submitters, no conflicts (2 of 4 stars). 2 submissions from 2 submitters: Likely benign (2). Last evaluated 2023-10-13.

Conditions:
Hereditary sensory neuropathy-deafness-dementia syndrome. Also called: Hereditary sensory neuropathy type IE; NEUROPATHY, HEREDITARY SENSORY, WITH HEARING LOSS AND DEMENTIA; Hereditary Sensory and Autonomic Neuropathy Type 1E (HSAN1E); HSN IE. Identifiers: Orphanet 456318, MedGen C3279885, MONDO:0013584, OMIM 614116.

Allele frequency attached by ClinVar (database versions not stated): gnomAD exomes 0.00001 and 0.00003; gnomAD 0.00002 and 0.00004; ExAC 0.00003; TOPMed 0.00004; ESP Exome Variant Server 0.00008; 1000 Genomes Project 30x 0.00016; 1000 Genomes Project 0.00020.
gnomAD v4.1: 21 of 1,614,194 alleles (0.0013%); highest among the groups gnomAD compares: Admixed American, 0.015%; no homozygotes.

Submissions (2):

Labcorp Genetics (formerly Invitae), Labcorp
Classification: Likely benign for Hereditary sensory neuropathy-deafness-dementia syndrome. Last evaluated: 2023-10-13. Review status: criteria provided, single submitter. Criteria: Invitae Variant Classification Sherloc (09022015). Collection method: clinical testing. Allele origin: germline.

GeneDx
Classification: Likely benign. Last evaluated: 2016-05-24. Review status: criteria provided, single submitter. Criteria: GeneDx Variant Classification (06012015). Collection method: clinical testing. Allele origin: germline. Affected: yes.
Comment: This variant is considered likely benign or benign based on one or more of the following criteria: it is a conservative change, it occurs at a poorly conserved position in the protein, it is predicted to be benign by multiple in silico algorithms, and/or has population frequency not consistent with disease.